The following is an entry in ClinVar:

NM_016239.4(MYO15A):c.2456C>G (p.Ser819Trp)

Gene: MYO15A (myosin XVA; plus strand). Cytogenetic location: 17p11.2.
Variant type: single nucleotide variant.
Coding change: c.2456C>G on transcript NM_016239.4 (MANE Select); coding-DNA position 2456, C replaced by G.
Protein change: p.Ser819Trp; replaces serine 819 with tryptophan.
Molecular consequence: missense variant.
Genome position (GRCh38, 1-based): chr17:18,121,256, C>G. VCF-style: chr17-18121256-C-G. GRCh37 (hg19) VCF-style: chr17-18024570-C-G.
Other names: c.2456C>G (NM_016239.3); short protein forms S819W.
Identifiers: ClinVar variation 1392837 (VCV001392837.5), dbSNP rs767378045, ClinGen allele CA8423270.

ClinVar aggregate classification (germline): Uncertain significance. Review status: criteria provided, multiple submitters, no conflicts (2 of 4 stars). 3 submissions from 3 submitters: Uncertain significance (3). Last evaluated 2026-02-02.

Conditions:
MYO15A-related disorder. Also called: MYO15A-related condition.

gnomAD v4.1: 97 of 1,467,052 alleles (0.0066%); highest among the groups gnomAD compares: Non-Finnish European, 0.0084%; no homozygotes.

Submissions (3):

PreventionGenetics, part of Exact Sciences
Classification: Uncertain significance for MYO15A-related condition. Last evaluated: 2026-02-02. Review status: criteria provided, single submitter. Criteria: ACMG Guidelines, 2015. Collection method: clinical testing. Allele origin: germline.
Comment: The MYO15A c.2456C>G variant is predicted to result in the amino acid substitution p.Ser819Trp. To our knowledge, this variant has not been reported in the literature. This variant is reported in 0.011% of alleles in individuals of European (Non-Finnish) descent in gnomAD. At this time, the clinical significance of this variant is uncertain due to the absence of conclusive functional and genetic evidence.

GeneDx
Classification: Uncertain significance. Last evaluated: 2025-03-23. Review status: criteria provided, single submitter. Criteria: GeneDx Variant Classification Process June 2021. Collection method: clinical testing. Allele origin: germline. Affected: yes.
Comment: In silico analysis indicates that this missense variant does not alter protein structure/function; Has not been previously published as pathogenic or benign to our knowledge

Labcorp Genetics (formerly Invitae), Labcorp
Classification: Uncertain significance. Last evaluated: 2021-10-14. Review status: criteria provided, single submitter. Criteria: Invitae Variant Classification Sherloc (09022015). Collection method: clinical testing. Allele origin: germline.
Comment: This sequence change replaces serine with tryptophan at codon 819 of the MYO15A protein (p.Ser819Trp). The serine residue is moderately conserved and there is a large physicochemical difference between serine and tryptophan. The frequency data for this variant in the population databases is considered unreliable, as metrics indicate poor data quality at this position in the ExAC database. This variant has not been reported in the literature in individuals affected with MYO15A-related conditions. Advanced modeling of protein sequence and biophysical properties (such as structural, functional, and spatial information, amino acid conservation, physicochemical variation, residue mobility, and thermodynamic stability) performed at Invitae indicates that this missense variant is not expected to disrupt MYO15A protein function. In summary, the available evidence is currently insufficient to determine the role of this variant in disease. Therefore, it has been classified as a Variant of Uncertain Significance.